The following is an entry in ClinVar:

NM_018557.3(LRP1B):c.489T>A (p.Gly163=)

Gene: LRP1B (LDL receptor related protein 1B; minus strand). Cytogenetic location: 2q22.1.
Variant type: single nucleotide variant.
Coding change: c.489T>A on transcript NM_018557.3 (MANE Select); coding-DNA position 489, T replaced by A.
Protein change: p.Gly163=; no amino-acid change (glycine 163 retained).
Molecular consequence: synonymous variant.
Genome position (GRCh38, 1-based): chr2:141,247,329, A>T on the plus strand (T>A on the coding strand, the complement: LRP1B is on the minus strand). VCF-style: chr2-141247329-A-T. GRCh37 (hg19) VCF-style: chr2-142004898-A-T.
Identifiers: ClinVar variation 2651390 (VCV002651390.24), dbSNP rs754526077, ClinGen allele CA429251355.

ClinVar aggregate classification (germline): Likely benign (1 of 4 stars; one submission).

gnomAD v4.1: 2 of 1,613,760 alleles (0.00012%); highest among the groups gnomAD compares: Middle Eastern, 0.033%; no homozygotes.

Submission:

CeGaT Center for Human Genetics Tuebingen
Classification: Likely benign. Last evaluated: 2022-12-01. Review status: criteria provided, single submitter. Criteria: CeGaT Center For Human Genetics Tuebingen Variant Classification Criteria Version 2. Collection method: clinical testing. Allele origin: germline. Affected: yes. Observed: 1 variant allele.
Comment: LRP1B: PM2:Supporting, BP4, BP7